The following is an entry in ClinVar:

NM_144997.7(FLCN):c.1228G>A (p.Glu410Lys)

Gene: FLCN (folliculin; minus strand). Cytogenetic location: 17p11.2.
Variant type: single nucleotide variant.
Coding change: c.1228G>A on transcript NM_144997.7 (MANE Select); coding-DNA position 1228, G replaced by A.
Protein change: p.Glu410Lys; replaces glutamic acid 410 with lysine.
Molecular consequence: missense variant.
Genome position (GRCh38, 1-based): chr17:17,216,452, C>T on the plus strand (G>A on the coding strand, the complement: FLCN is on the minus strand). VCF-style: chr17-17216452-C-T. GRCh37 (hg19) VCF-style: chr17-17119766-C-T.
Other names: c.1282G>A, p.Glu428Lys (NM_001353229.2); c.1228G>A, p.Glu410Lys (NM_001353230.2, NM_001353231.2); short protein forms E428K, E410K.
Identifiers: ClinVar variation 845027 (VCV000845027.5), dbSNP rs763591386, ClinGen allele CA288307358.

ClinVar aggregate classification (germline): Uncertain significance. Review status: criteria provided, multiple submitters, no conflicts (2 of 4 stars). 2 submissions from 2 submitters: Uncertain significance (2). Last evaluated 2023-01-23.

Conditions:
Hereditary cancer-predisposing syndrome. Also called: Neoplastic Syndromes, Hereditary; Hereditary neoplastic syndrome; Tumor predisposition; Hereditary Cancer Syndrome. Identifiers: Orphanet 140162, MedGen C0027672, MeSH D009386, MONDO:0015356.
Birt-Hogg-Dube syndrome. Also called: Birt Hogg Dubé syndrome. Identifiers: Orphanet 122, MedGen C0346010, MONDO:0800444.

Allele frequency attached by ClinVar (database versions not stated): gnomAD exomes below 0.00001.
gnomAD v4.1: 1 of 1,613,842 alleles (0.000062%); highest among the groups gnomAD compares: Non-Finnish European, 0.000085%; no homozygotes.

Submissions (2):

Ambry Genetics
Classification: Uncertain significance for Hereditary cancer-predisposing syndrome. Last evaluated: 2023-01-23. Review status: criteria provided, single submitter. Criteria: Ambry Variant Classification Scheme 2023. Collection method: clinical testing. Allele origin: germline.
Comment: The p.E410K variant (also known as c.1228G>A), located in coding exon 8 of the FLCN gene, results from a G to A substitution at nucleotide position 1228. The glutamic acid at codon 410 is replaced by lysine, an amino acid with similar properties. This amino acid position is conserved. In addition, the in silico prediction for this alteration is inconclusive. Since supporting evidence is limited at this time, the clinical significance of this alteration remains unclear.

Labcorp Genetics (formerly Invitae), Labcorp
Classification: Uncertain significance for Birt-Hogg-Dube syndrome. Last evaluated: 2022-08-09. Review status: criteria provided, single submitter. Criteria: Invitae Variant Classification Sherloc (09022015). Collection method: clinical testing. Allele origin: germline.
Comment: This sequence change replaces glutamic acid, which is acidic and polar, with lysine, which is basic and polar, at codon 410 of the FLCN protein (p.Glu410Lys). This variant is not present in population databases (gnomAD no frequency). This variant has not been reported in the literature in individuals affected with FLCN-related conditions. ClinVar contains an entry for this variant (Variation ID: 845027). Algorithms developed to predict the effect of missense changes on protein structure and function (SIFT, PolyPhen-2, Align-GVGD) all suggest that this variant is likely to be tolerated. In summary, the available evidence is currently insufficient to determine the role of this variant in disease. Therefore, it has been classified as a Variant of Uncertain Significance.